The following is an entry in ClinVar:

ClinVar aggregate classification (germline): Uncertain significance. Review status: criteria provided, multiple submitters, no conflicts (2 of 4 stars). 3 submissions from 3 submitters: Uncertain significance (3). Last evaluated 2026-03-29.

Conditions:
Inborn genetic diseases. Identifiers: MedGen C0950123, MeSH D030342.

Allele frequency attached by ClinVar (database versions not stated): gnomAD 0.00009 and 0.00010; TOPMed 0.00009; ESP Exome Variant Server 0.00023; gnomAD exomes 0.00003 and 0.00008; ExAC 0.00003.
gnomAD v4.1: 147 of 1,604,940 alleles (0.0092%); highest among the groups gnomAD compares: African/African-American, 0.011%; no homozygotes.

Submissions (3):

GeneDx
Classification: Uncertain significance. Last evaluated: 2026-03-29. Review status: criteria provided, single submitter. Criteria: GeneDx Variant Classification Process June 2021. Collection method: clinical testing. Allele origin: germline.
Comment: Not observed at significant frequency in large population cohorts (gnomAD); In silico analysis supports that this missense variant has a deleterious effect on protein structure/function; Has not been previously published as pathogenic or benign to our knowledge

Ambry Genetics
Classification: Uncertain significance for Inborn genetic diseases. Last evaluated: 2025-02-25. Review status: criteria provided, single submitter. Criteria: Ambry Variant Classification Scheme 2023. Collection method: clinical testing. Allele origin: germline.

Labcorp Genetics (formerly Invitae), Labcorp
Classification: Uncertain significance. Last evaluated: 2022-08-23. Review status: criteria provided, single submitter. Criteria: Invitae Variant Classification Sherloc (09022015). Collection method: clinical testing. Allele origin: germline.
Comment: This variant has not been reported in the literature in individuals affected with ASPM-related conditions. ClinVar contains an entry for this variant (Variation ID: 1408916). Algorithms developed to predict the effect of missense changes on protein structure and function are either unavailable or do not agree on the potential impact of this missense change (SIFT: "Deleterious"; PolyPhen-2: "Probably Damaging"; Align-GVGD: "Class C0"). This variant is present in population databases (rs146444278, gnomAD 0.006%). In summary, the available evidence is currently insufficient to determine the role of this variant in disease. Therefore, it has been classified as a Variant of Uncertain Significance. This sequence change replaces arginine, which is basic and polar, with glutamine, which is neutral and polar, at codon 3096 of the ASPM protein (p.Arg3096Gln).

NM_018136.5(ASPM):c.9287G>A (p.Arg3096Gln)

Gene: ASPM (assembly factor for spindle microtubules; minus strand). Cytogenetic location: 1q31.3.
Variant type: single nucleotide variant.
Coding change: c.9287G>A on transcript NM_018136.5 (MANE Select); coding-DNA position 9287, G replaced by A.
Protein change: p.Arg3096Gln; replaces arginine 3096 with glutamine.
Molecular consequence: missense variant.
Genome position (GRCh38, 1-based): chr1:197,093,059, C>T on the plus strand (G>A on the coding strand, the complement: ASPM is on the minus strand). VCF-style: chr1-197093059-C-T. GRCh37 (hg19) VCF-style: chr1-197062189-C-T.
Other names: c.4532G>A, p.Arg1511Gln (NM_001206846.2); c.9287G>A (NM_018136.4); short protein forms R1511Q, R3096Q.
Identifiers: ClinVar variation 1408916 (VCV001408916.11), dbSNP rs146444278, ClinGen allele CA1308998.
Genomic context (GRCh38, chr1:197,093,059, plus strand): 5'-CATCAAGTGCTTTCATTTTATAAGAATGAGATATGCTACTTGAAAATACTTACTCTTTTT[C>T]GTACTAGCCAACCACGCACCAGTGCTTGTAGGATAACTGTAGATTTTTTAAATTCAATAT-3'
Protein context (NP_060606.3, residues 3086-3106): LQALVRGWLV[Arg3096Gln]KRFLEQRAKI